The following is an entry in ClinVar:

ClinVar aggregate classification (germline): Pathogenic (1 of 4 stars; one submission).

Conditions:
Hematuria. Identifiers: MedGen C0018965, HP:0000790.

Submission:

Genetics Laboratory, Great Ormond Street Hospital NHS Foundation Trust, North Thames Genomic Laboratory Hub
Classification: Pathogenic for Haematuria. Last evaluated: 2026-07-30. Review status: criteria provided, single submitter. Criteria: ACGS Best Practice Guidelines for Variant Classification in Rare Disease 2024 v1.2. Collection method: clinical testing. Allele origin: germline. Affected: yes.
Comment: PM2_moderate, PVS1_very-strong

NM_033380.3(COL4A5):c.1693dup (p.Ser565fs)

Gene: COL4A5 (collagen type IV alpha 5 chain; plus strand). Cytogenetic location: Xq22.3.
Variant type: Duplication.
Coding change: c.1693dup on transcript NM_033380.3 (MANE Select); coding-DNA position 1693, one base duplicated (T; older notation c.1693dupT).
Protein change: p.Ser565fs; shifts the reading frame from serine 565.
Molecular consequence: frameshift variant.
Genome position (GRCh38, 1-based): chrX:108,597,482, T duplicated; the last of 2 consecutive T bases (chrX:108,597,481-108,597,482); duplicating either gives the same sequence. VCF-style (leftmost placement, unchanged base first): chrX-108597480-G-GT. GRCh37 (hg19) VCF-style: chrX-107840710-G-GT.
Other names: c.1693dup, p.Ser565fs (NM_000495.5); short protein forms S565fs.
Identifiers: ClinVar variation 4976953 (VCV004976953.1).
Genomic context (GRCh38, chrX:108,597,480, plus strand): 5'-AAGGTGAACCTGGTGATATCCTCACTTTTCCAGGAATGAAGGGTGACAAAGGAGAGTTGG[G>GT]TTCCCCTGGAGCTCCAGGGCTTCCTGGTTTACCTGGCACTCCTGGACAGGATGGATTGCC-3'